The following is an entry in ClinVar:

NM_019109.5(ALG1):c.1136T>G (p.Val379Gly)

Gene: ALG1 (ALG1 chitobiosyldiphosphodolichol beta-mannosyltransferase; plus strand). Cytogenetic location: 16p13.3.
Variant type: single nucleotide variant.
Coding change: c.1136T>G on transcript NM_019109.5 (MANE Select); coding-DNA position 1136, T replaced by G.
Protein change: p.Val379Gly; replaces valine 379 with glycine.
Molecular consequence: missense variant.
Genome position (GRCh38, 1-based): chr16:5,082,622, T>G. VCF-style: chr16-5082622-T-G. GRCh37 (hg19) VCF-style: chr16-5132623-T-G.
Other names: c.803T>G, p.Val268Gly (NM_001330504.2); short protein forms V268G.
Identifiers: ClinVar variation 471231 (VCV000471231.8), dbSNP rs1555452573, ClinGen allele CA394673876.

ClinVar aggregate classification (germline): Uncertain significance (1 of 4 stars; one submission).

Conditions:
ALG1-congenital disorder of glycosylation. Also called: CONGENITAL DISORDER OF GLYCOSYLATION, TYPE Ik; CDG Ik; ALG1-CDG. Identifiers: Orphanet 79327, MedGen C2931005, MONDO:0012052, OMIM 608540.

Allele frequency attached by ClinVar (database versions not stated): gnomAD exomes below 0.00001.
gnomAD v4.1: 1 of 1,611,954 alleles (0.000062%); highest among the groups gnomAD compares: Non-Finnish European, 0.000085%; no homozygotes.

Submission:

Labcorp Genetics (formerly Invitae), Labcorp
Classification: Uncertain significance for ALG1-congenital disorder of glycosylation. Last evaluated: 2016-07-11. Review status: criteria provided, single submitter. Criteria: Invitae Variant Classification Sherloc (09022015). Collection method: clinical testing. Allele origin: germline.
Comment: This variant is not present in population databases (ExAC no frequency) and has not been reported in the literature in individuals with a ALG1-related disease. This sequence change replaces valine with glycine at codon 379 of the ALG1 protein (p.Val379Gly). The valine residue is highly conserved and there is a moderate physicochemical difference between valine and glycine. Algorithms developed to predict the effect of missense changes on protein structure and function (SIFT, PolyPhen-2, Align-GVGD) all suggest that this variant is likely to be disruptive, but these predictions have not been confirmed by published functional studies. In summary, this variant is a novel missense change with uncertain impact on protein function. It has been classified as a Variant of Uncertain Significance.